The following is an entry in ClinVar:

NM_001278512.2(AP3B2):c.2941G>A (p.Val981Ile)

Genes: AP3B2 (adaptor related protein complex 3 subunit beta 2; minus strand), CPEB1-AS1 (CPEB1 antisense RNA 1; plus strand). Cytogenetic location: 15q25.2.
Variant type: single nucleotide variant.
Coding change: c.2941G>A on transcript NM_001278512.2 (MANE Select); coding-DNA position 2941, G replaced by A.
Protein change: p.Val981Ile; replaces valine 981 with isoleucine.
Molecular consequence: missense variant.
Genome position (GRCh38, 1-based): chr15:82,661,900, C>T on the plus strand (G>A on the coding strand, the complement: AP3B2 is on the minus strand). VCF-style: chr15-82661900-C-T. GRCh37 (hg19) VCF-style: chr15-83330652-C-T.
Other names: c.2788G>A, p.Val930Ile (NM_001278511.2); c.73G>A, p.Val25Ile (NM_001348441.2); c.2884G>A, p.Val962Ile (NM_004644.5); short protein forms V25I, V981I, V930I, V962I.
Identifiers: ClinVar variation 2084903 (VCV002084903.3), dbSNP rs764083003, ClinGen allele CA7699744.

ClinVar aggregate classification (germline): Uncertain significance. Review status: criteria provided, multiple submitters, no conflicts (2 of 4 stars). 2 submissions from 2 submitters: Uncertain significance (2). Last evaluated 2023-12-31.

Conditions:
Inborn genetic diseases. Identifiers: MedGen C0950123, MeSH D030342.

Allele frequency attached by ClinVar (database versions not stated): ExAC 0.00001; gnomAD 0.00002; gnomAD exomes 0.00002; TOPMed 0.00005.
gnomAD v4.1: 36 of 1,613,660 alleles (0.0022%); highest among the groups gnomAD compares: Middle Eastern, 0.016%; no homozygotes.

Submissions (2):

Labcorp Genetics (formerly Invitae), Labcorp
Classification: Uncertain significance. Last evaluated: 2023-12-31. Review status: criteria provided, single submitter. Criteria: Invitae Variant Classification Sherloc (09022015). Collection method: clinical testing. Allele origin: germline.
Comment: This sequence change replaces valine, which is neutral and non-polar, with isoleucine, which is neutral and non-polar, at codon 962 of the AP3B2 protein (p.Val962Ile). This variant is present in population databases (rs764083003, gnomAD 0.006%). This variant has not been reported in the literature in individuals affected with AP3B2-related conditions. ClinVar contains an entry for this variant (Variation ID: 2084903). An algorithm developed to predict the effect of missense changes on protein structure and function (PolyPhen-2) suggests that this variant¬†is likely to be tolerated. In summary, the available evidence is currently insufficient to determine the role of this variant in disease. Therefore, it has been classified as a Variant of Uncertain Significance.

Ambry Genetics
Classification: Uncertain significance for Inborn genetic diseases. Last evaluated: 2021-09-01. Review status: criteria provided, single submitter. Criteria: Ambry Variant Classification Scheme 2023. Collection method: clinical testing. Allele origin: germline.